The following is an entry in ClinVar:

NM_018419.3(SOX18):c.530T>G (p.Leu177Ter)

Gene: SOX18 (SRY-box transcription factor 18; minus strand). Cytogenetic location: 20q13.33.
Variant type: single nucleotide variant.
Coding change: c.530T>G on transcript NM_018419.3 (MANE Select); coding-DNA position 530, T replaced by G.
Protein change: p.Leu177Ter; replaces leucine 177 with a stop codon.
Molecular consequence: nonsense.
Genome position (GRCh38, 1-based): chr20:64,048,791, A>C on the plus strand (T>G on the coding strand, the complement: SOX18 is on the minus strand). VCF-style: chr20-64048791-A-C. GRCh37 (hg19) VCF-style: chr20-62680144-A-C.
Other names: short protein forms L177*.
Identifiers: ClinVar variation 2003437 (VCV002003437.4), dbSNP rs925332904, ClinGen allele CA409754020.

ClinVar aggregate classification (germline): Uncertain significance (1 of 4 stars; one submission).

Submission:

Labcorp Genetics (formerly Invitae), Labcorp
Classification: Uncertain significance. Last evaluated: 2022-06-08. Review status: criteria provided, single submitter. Criteria: Invitae Variant Classification Sherloc (09022015). Collection method: clinical testing. Allele origin: germline.
Comment: In summary, the available evidence is currently insufficient to determine the role of this variant in disease. Therefore, it has been classified as a Variant of Uncertain Significance. Experimental studies and prediction algorithms are not available or were not evaluated, and the functional significance of this variant is currently unknown. This variant has not been reported in the literature in individuals affected with SOX18-related conditions. This variant is not present in population databases (gnomAD no frequency). This sequence change creates a premature translational stop signal (p.Leu177*) in the SOX18 gene. While this is not anticipated to result in nonsense mediated decay, it is expected to disrupt the last 208 amino acid(s) of the SOX18 protein.